The following is an entry in ClinVar:

ClinVar aggregate classification (germline): Likely benign (1 of 4 stars; one submission).

Conditions:
WLS-related disorder. Also called: WLS-related condition.

gnomAD v4.1: 179 of 1,614,166 alleles (0.011%); highest among the groups gnomAD compares: African/African-American, 0.23%; no homozygotes.

Submission:

PreventionGenetics, part of Exact Sciences
Classification: Likely benign for WLS-related condition. Last evaluated: 2025-09-25. Review status: criteria provided, single submitter. Criteria: ACMG Guidelines, 2015. Collection method: clinical testing. Allele origin: germline.
Comment: This variant is classified as likely benign based on ACMG/AMP sequence variant interpretation guidelines (Richards et al. 2015 PMID: 25741868, with internal and published modifications).

NM_024911.7(WLS):c.102G>C (p.Leu34Phe)

Gene: WLS (Wnt ligand secretion mediator; minus strand). Cytogenetic location: 1p31.3.
Variant type: single nucleotide variant.
Coding change: c.102G>C on transcript NM_024911.7 (MANE Select); coding-DNA position 102, G replaced by C.
Protein change: p.Leu34Phe; replaces leucine 34 with phenylalanine.
Molecular consequence: missense variant.
Genome position (GRCh38, 1-based): chr1:68,232,198, C>G on the plus strand (G>C on the coding strand, the complement: WLS is on the minus strand). VCF-style: chr1-68232198-C-G. GRCh37 (hg19) VCF-style: chr1-68697881-C-G.
Other names: c.102G>C, p.Leu34Phe (NM_001002292.4, NM_001193334.1); short protein forms L34F.
Identifiers: ClinVar variation 4980714 (VCV004980714.1).
Genomic context (GRCh38, chr1:68,232,198, plus strand): 5'-GGGAAGGGGCCCGAAAAGACAGAAAGGGGGAAAAGTTTGCAGCTCTCCGCACTTACCAAT[C>G]AAGCCTCCCACCAGAAAGGCGATGATTTGGAACACGAGCAGAATCCCACCAACAATGCAC-3'
Protein context (NP_079187.3, residues 24-44): FQIIAFLVGG[Leu34Phe]IAPGPTTAVS